The following is an entry in ClinVar:

NC_000023.10:g.(?_76953051)_(76954137_?)dup

Gene: ATRX (ATRX chromatin remodeler; minus strand). Cytogenetic location: Xq21.1.
Variant type: Duplication.
Identifiers: ClinVar variation 1498207 (VCV001498207.7).

ClinVar aggregate classification (germline): Likely pathogenic (1 of 4 stars; one submission).

Conditions:
Alpha thalassemia-X-linked intellectual disability syndrome (ATRX). Also called: X-linked alpha-thalassemia-mental retardation syndrome; ALPHA-THALASSEMIA/IMPAIRED INTELLECTUAL DEVELOPMENT SYNDROME, X-LINKED; ALPHA-THALASSEMIA/MENTAL RETARDATION SYNDROME, X-LINKED; ATR, NONDELETION TYPE; ATR-X syndrome; Alpha thalassemia mental retardation syndrome, nondeletion type, X-linked. Identifiers: Orphanet 847, MedGen C1845055, MONDO:0010519, OMIM 301040.

Submission:

Labcorp Genetics (formerly Invitae), Labcorp
Classification: Likely pathogenic for Alpha thalassemia-X-linked intellectual disability syndrome. Last evaluated: 2022-03-08. Review status: criteria provided, single submitter. Criteria: Invitae Variant Classification Sherloc (09022015). Collection method: clinical testing. Allele origin: germline.
Comment: In summary, the currently available evidence indicates that the variant is pathogenic, but additional data are needed to prove that conclusively. Therefore, this variant has been classified as Likely Pathogenic. This variant has not been reported in the literature in individuals affected with ATRX-related conditions. This variant results in a copy number gain of the genomic region encompassing exon(s) 3-4 of the ATRX gene. While the exact position of this variant cannot be determined from the data, sub-genic copy number gains are generally in tandem (PMID: 25640679). This variant is predicted to be out-of-frame, and may result in an absent or disrupted protein product. Loss-of-function variants in ATRX are known to be pathogenic (PMID: 15591283, 18409179, 23681356).

Literature cited by the submitters: PubMed 25640679; PubMed 15591283; PubMed 18409179; PubMed 23681356.